The following is an entry in ClinVar:

NM_002317.7(LOX):c.193C>G (p.Gln65Glu)

Genes: LOX (lysyl oxidase; minus strand), SRFBP1 (serum response factor binding protein 1; plus strand). Cytogenetic location: 5q23.1.
Variant type: single nucleotide variant.
Coding change: c.193C>G on transcript NM_002317.7 (MANE Select); coding-DNA position 193, C replaced by G.
Protein change: p.Gln65Glu; replaces glutamine 65 with glutamic acid.
Molecular consequence: missense variant.
Genome position (GRCh38, 1-based): chr5:122,077,793, G>C on the plus strand (C>G on the coding strand, the complement: LOX is on the minus strand). VCF-style: chr5-122077793-G-C. GRCh37 (hg19) VCF-style: chr5-121413488-G-C.
Other names: short protein forms Q65E.
Identifiers: ClinVar variation 1675990 (VCV001675990.33), dbSNP rs2152591622, ClinGen allele CA360877631.

ClinVar aggregate classification (germline): Uncertain significance (1 of 4 stars; one submission).

Submission:

CeGaT Center for Human Genetics Tuebingen
Classification: Uncertain significance. Last evaluated: 2022-03-01. Review status: criteria provided, single submitter. Criteria: CeGaT Center For Human Genetics Tuebingen Variant Classification Criteria Version 2. Collection method: clinical testing. Allele origin: germline. Affected: yes. Observed: 1 variant allele.
Comment: LOX: PM2